The following is an entry in ClinVar:

ClinVar aggregate classification (germline): Uncertain significance. Review status: criteria provided, multiple submitters, no conflicts (2 of 4 stars). 4 submissions from 4 submitters: Uncertain significance (4). Last evaluated 2025-06-24.

Conditions:
Myopathy, proximal, and ophthalmoplegia (CMYO6). Also called: MYOPATHY WITH CONGENITAL JOINT CONTRACTURES, OPHTHALMOPLEGIA, AND RIMMED VACUOLES; INCLUSION BODY MYOPATHY 3, AUTOSOMAL DOMINANT; CONGENITAL MYOPATHY 6 WITH OPHTHALMOPLEGIA. Identifiers: Orphanet 363677, Orphanet 79091, MedGen C1854106, MONDO:0011577, OMIM 605637.
Inborn genetic diseases. Identifiers: MedGen C0950123, MeSH D030342.

Allele frequency attached by ClinVar (database versions not stated): gnomAD exomes 0.00001; ExAC 0.00002; gnomAD 0.00002 and 0.00003; TOPMed 0.00002.
gnomAD v4.1: 46 of 1,614,072 alleles (0.0028%); highest among the groups gnomAD compares: African/African-American, 0.0053%; no homozygotes.

Submissions (4):

Ambry Genetics
Classification: Uncertain significance for Inborn genetic diseases. Last evaluated: 2025-06-24. Review status: criteria provided, single submitter. Criteria: Ambry Variant Classification Scheme 2023. Collection method: clinical testing. Allele origin: germline.

GeneDx
Classification: Uncertain significance. Last evaluated: 2024-08-13. Review status: criteria provided, single submitter. Criteria: GeneDx Variant Classification Process June 2021. Collection method: clinical testing. Allele origin: germline. Affected: yes.
Comment: Not observed at significant frequency in large population cohorts (gnomAD); In silico analysis supports that this missense variant has a deleterious effect on protein structure/function; Has not been previously published as pathogenic or benign to our knowledge

Labcorp Genetics (formerly Invitae), Labcorp
Classification: Uncertain significance for Myopathy, proximal, and ophthalmoplegia. Last evaluated: 2024-06-24. Review status: criteria provided, single submitter. Criteria: Invitae Variant Classification Sherloc (09022015). Collection method: clinical testing. Allele origin: germline.
Comment: This sequence change replaces serine, which is neutral and polar, with phenylalanine, which is neutral and non-polar, at codon 244 of the MYH2 protein (p.Ser244Phe). This variant is present in population databases (rs201044964, gnomAD 0.002%). This variant has not been reported in the literature in individuals affected with MYH2-related conditions. ClinVar contains an entry for this variant (Variation ID: 580104). Advanced modeling of protein sequence and biophysical properties (such as structural, functional, and spatial information, amino acid conservation, physicochemical variation, residue mobility, and thermodynamic stability) performed at Invitae indicates that this missense variant is expected to disrupt MYH2 protein function with a positive predictive value of 80%. In summary, the available evidence is currently insufficient to determine the role of this variant in disease. Therefore, it has been classified as a Variant of Uncertain Significance.

Revvity Omics, Revvity
Classification: Uncertain significance for Myopathy, proximal, and ophthalmoplegia. Last evaluated: 2019-10-07. Review status: criteria provided, single submitter. Criteria: ACMG Guidelines, 2015. Collection method: clinical testing. Allele origin: germline.

NM_017534.6(MYH2):c.731C>T (p.Ser244Phe)

Genes: MYH2 (myosin heavy chain 2; minus strand), MYHAS (myosin heavy chain gene cluster antisense RNA; plus strand), LOC126862501 (CDK7 strongly-dependent group 2 enhancer GRCh37_chr17:10446256-10447455; plus strand). Cytogenetic location: 17p13.1.
Variant type: single nucleotide variant.
Coding change: c.731C>T on transcript NM_017534.6 (MANE Select); coding-DNA position 731, C replaced by T.
Protein change: p.Ser244Phe; replaces serine 244 with phenylalanine.
Molecular consequence: missense variant.
Genome position (GRCh38, 1-based): chr17:10,543,721, G>A on the plus strand (C>T on the coding strand, the complement: MYH2 is on the minus strand). VCF-style: chr17-10543721-G-A. GRCh37 (hg19) VCF-style: chr17-10447038-G-A.
Other names: c.731C>T, p.Ser244Phe (NM_001100112.2); short protein forms S244F.
Identifiers: ClinVar variation 580104 (VCV000580104.9), dbSNP rs201044964, ClinGen allele CA8391558.